The following is an entry in ClinVar:

ClinVar aggregate classification (germline): Pathogenic (1 of 4 stars; one submission).

Conditions:
Brain small vessel disease 1 with or without ocular anomalies (BSVD1). Also called: GOULD SYNDROME 1; PORENCEPHALY, TYPE 1, AUTOSOMAL DOMINANT; BRAIN SMALL VESSEL DISEASE WITH HEMORRHAGE; Brain small vessel disease with or without ocular anomalies. Identifiers: Orphanet 2940, Orphanet 36383, Orphanet 99810, MedGen C4755307, MONDO:0008289, OMIM 175780.

Submission:

Illumina Laboratory Services, Illumina
Classification: Pathogenic for Brain small vessel disease with hemorrhage. Last evaluated: 2019-02-26. Review status: criteria provided, single submitter. Criteria: ICSLVariantClassificationCriteria RUGD 01 April 2020. Collection method: clinical testing. Allele origin: unknown.
Comment: The COL4A1 c.2608G>A (p.Gly870Arg) variant is a missense variant that has been reported in one study, in which it is found in a heterozygous state in one individual with porencephaly, congenital cataract, epilepsy, and intellectual disability (Yoneda et al. 2016). The p.Gly870Arg variant was absent from 200 healthy Japanese controls and is not found in the Genome Aggregation Database. The variant is located in the collagen triple helical domain of the protein, where alterations to highly conserved glycine residues are often associated with disease. Based on the evidence and application of the ACMG criteria, the p.Gly870Arg variant is classified as pathogenic for COL4A1-related disorders.

Literature cited by the submitters: PubMed 23225343.

NM_001845.6(COL4A1):c.2608G>A (p.Gly870Arg)

Gene: COL4A1 (collagen type IV alpha 1 chain; minus strand). Cytogenetic location: 13q34.
Variant type: single nucleotide variant.
Coding change: c.2608G>A on transcript NM_001845.6 (MANE Select); coding-DNA position 2608, G replaced by A.
Protein change: p.Gly870Arg; replaces glycine 870 with arginine.
Molecular consequence: missense variant.
Genome position (GRCh38, 1-based): chr13:110,178,082, C>T on the plus strand (G>A on the coding strand, the complement: COL4A1 is on the minus strand). VCF-style: chr13-110178082-C-T. GRCh37 (hg19) VCF-style: chr13-110830429-C-T.
Other names: short protein forms G870R.
Identifiers: ClinVar variation 989300 (VCV000989300.6), dbSNP rs1877962670, ClinGen allele CA388667748.
Genomic context (GRCh38, chr13:110,178,082, plus strand): 5'-GTCTTCATGATGGATCCAGGCAGAAGTTCAAAAATCACTTACCTGGAAACCCAGGAATCC[C>T]AGGAGCCCCCTGCTGTCCAGGAAGGCCAGGGAGCCCCGACTGTCCCGTTATGCCAGGGAG-3'
Protein context (NP_001836.3, residues 860-880): PGLPGQQGAP[Gly870Arg]IPGFPGSKGE